The following is an entry in ClinVar:

ClinVar aggregate classification (germline): Pathogenic. Review status: criteria provided, single submitter (1 of 4 stars). 2 submissions from 2 submitters: Pathogenic (1). 1 of the submissions does not count toward it. Last evaluated 2025-03-06.

Conditions:
BMPER-related disorder. Also called: BMPER-related condition.

Allele frequency attached by ClinVar (database versions not stated): TOPMed 0.00001; ExAC 0.00004; gnomAD 0.00001.
gnomAD v4.1: 25 of 1,614,014 alleles (0.0015%); highest among the groups gnomAD compares: Non-Finnish European, 0.00025%; no homozygotes.

Submissions (2):

Labcorp Genetics (formerly Invitae), Labcorp
Classification: Pathogenic. Last evaluated: 2025-03-06. Review status: criteria provided, single submitter. Criteria: Invitae Variant Classification Sherloc (09022015). Collection method: clinical testing. Allele origin: germline.
Comment: This sequence change creates a premature translational stop signal (p.Cys272*) in the BMPER gene. It is expected to result in an absent or disrupted protein product. Loss-of-function variants in BMPER are known to be pathogenic (PMID: 20869035, 21990102). This variant is present in population databases (rs777026516, gnomAD 0.1%). This variant has not been reported in the literature in individuals affected with BMPER-related conditions. ClinVar contains an entry for this variant (Variation ID: 632002). For these reasons, this variant has been classified as Pathogenic.

PreventionGenetics, part of Exact Sciences
Classification: Likely pathogenic for BMPER-related condition. Last evaluated: 2024-03-26. Review status: no assertion criteria provided. Collection method: clinical testing. Allele origin: germline. Not counted in ClinVar's aggregate classification.
Comment: The BMPER c.816C>A variant is predicted to result in premature protein termination (p.Cys272*). To our knowledge, this variant has not been reported in the literature. This variant is reported in 0.099% of alleles in individuals of Ashkenazi Jewish descent in gnomAD. Nonsense variants in BMPER are expected to be pathogenic. This variant is interpreted as likely pathogenic.

Literature cited by the submitters: PubMed 20869035 (cited by Labcorp Genetics (formerly Invitae), Labcorp); PubMed 21990102 (cited by Labcorp Genetics (formerly Invitae), Labcorp).

NM_001365308.1(BMPER):c.816C>A (p.Cys272Ter)

Gene: BMPER (BMP binding endothelial regulator; plus strand). Cytogenetic location: 7p14.3.
Variant type: single nucleotide variant.
Coding change: c.816C>A on transcript NM_001365308.1 (MANE Select); coding-DNA position 816, C replaced by A.
Protein change: p.Cys272Ter; replaces cysteine 272 with a stop codon.
Molecular consequence: nonsense.
Genome position (GRCh38, 1-based): chr7:34,055,192, C>A. VCF-style: chr7-34055192-C-A. GRCh37 (hg19) VCF-style: chr7-34094804-C-A.
Other names: c.816C>A, p.Cys272Ter (NM_133468.5); short protein forms C272*.
Identifiers: ClinVar variation 632002 (VCV000632002.8), dbSNP rs777026516, ClinGen allele CA4215206.